The following is an entry in ClinVar:

NM_001151.4(SLC25A4):c.*1245T>A

Gene: SLC25A4 (solute carrier family 25 member 4; plus strand). Cytogenetic location: 4q35.1.
Variant type: single nucleotide variant.
Coding change: c.*1245T>A on transcript NM_001151.4 (MANE Select); 1245 bases downstream of the stop codon, T replaced by A.
Molecular consequence: 3 prime UTR variant.
Genome position (GRCh38, 1-based): chr4:185,148,216, T>A. VCF-style: chr4-185148216-T-A. GRCh37 (hg19) VCF-style: chr4-186069370-T-A.
Identifiers: ClinVar variation 348265 (VCV000348265.5), dbSNP rs77959660, ClinGen allele CA10618369.
Genomic context (GRCh38, chr4:185,148,216, plus strand): 5'-AACTACGGACTTCTTGTATCCTTACATGGCAGAAAGAGCGACAGAGCTCTCTGTAGTCCC[T>A]TTTATAAGCTCACTAATCCCATTCATGAGGGCCCTACCCTCATGACCCAATTACCTCCCA-3'

ClinVar aggregate classification (germline): Benign (1 of 4 stars; one submission).

Conditions:
Progressive external ophthalmoplegia with mitochondrial DNA deletions, autosomal dominant 2. Also called: PROGRESSIVE EXTERNAL OPHTHALMOPLEGIA, AUTOSOMAL DOMINANT 2. Identifiers: MedGen C1836460, MONDO:0012238, OMIM 609283.

Allele frequency attached by ClinVar (database versions not stated): gnomAD 0.00041 and 0.00053; TOPMed 0.00053; 1000 Genomes Project 0.00300; 1000 Genomes Project 30x 0.00328.

Submission:

Illumina Laboratory Services, Illumina
Classification: Benign for Progressive external ophthalmoplegia with mitochondrial DNA deletions, autosomal dominant 2. Last evaluated: 2018-01-13. Review status: criteria provided, single submitter. Criteria: ICSL Variant Classification Criteria 13 December 2019. Collection method: clinical testing. Allele origin: germline.
Comment: This variant was observed in the ICSL laboratory as part of a predisposition screen in an ostensibly healthy population. It had not been previously curated by ICSL or reported in the Human Gene Mutation Database (HGMD: prior to June 1st, 2018), and was therefore a candidate for classification through an automated scoring system. Utilizing variant allele frequency, disease prevalence and penetrance estimates, and inheritance mode, an automated score was calculated to assess if this variant is too frequent to cause the disease. Based on the score and internal cut-off values, a variant classified as benign is not then subjected to further curation. The score for this variant resulted in a classification of benign for this disease.